The following is an entry in ClinVar:

NM_001048174.2(MUTYH):c.1350G>C (p.Gln450His)

Gene: MUTYH (mutY DNA glycosylase; minus strand). Cytogenetic location: 1p34.1.
Variant type: single nucleotide variant.
Coding change: c.1350G>C on transcript NM_001048174.2 (MANE Select); coding-DNA position 1350, G replaced by C.
Protein change: p.Gln450His; replaces glutamine 450 with histidine.
Molecular consequence: missense variant. On other transcripts: non-coding transcript variant (7).
Genome position (GRCh38, 1-based): chr1:45,331,224, C>G on the plus strand (G>C on the coding strand, the complement: MUTYH is on the minus strand). VCF-style: chr1-45331224-C-G. GRCh37 (hg19) VCF-style: chr1-45796896-C-G.
Other names: c.1350G>C, p.Gln450His (NM_001407070.1, NM_001407072.1, NM_001407073.1 and 6 more transcripts); c.1353G>C, p.Gln451His (NM_001407071.1, NM_001407078.1, NM_001407086.1 and 1 more transcripts); c.1266G>C, p.Gln422His (NM_001407075.1); c.1383G>C, p.Gln461His (NM_001407077.1, NM_001293191.2, NM_001407069.1); c.1311G>C, p.Gln437His (NM_001407079.1); c.1308G>C, p.Gln436His (NM_001407080.1); c.1005G>C, p.Gln335His (NM_001407082.1, NM_001350650.2, NM_001350651.2); c.1392G>C, p.Gln464His (NM_001407083.1, NM_001407085.1); and 5 more; short protein forms Q437H, Q450H, Q451H, Q475H, Q478H, Q436H, Q461H, Q358H.
Identifiers: ClinVar variation 4113241 (VCV004113241.1).

ClinVar aggregate classification (germline): Uncertain significance (1 of 4 stars; one submission).

Conditions:
Hereditary cancer-predisposing syndrome. Also called: Tumor predisposition; Neoplastic Syndromes, Hereditary; Hereditary neoplastic syndrome; Hereditary Cancer Syndrome. Identifiers: Orphanet 140162, MedGen C0027672, MeSH D009386, MONDO:0015356.

Submission:

Ambry Genetics
Classification: Uncertain significance for Hereditary cancer-predisposing syndrome. Last evaluated: 2025-08-27. Review status: criteria provided, single submitter. Criteria: Ambry Variant Classification Scheme 2023. Collection method: clinical testing. Allele origin: germline.
Comment: The p.Q478H variant (also known as c.1434G>C), located in coding exon 14 of the MUTYH gene, results from a G to C substitution at nucleotide position 1434. The glutamine at codon 478 is replaced by histidine, an amino acid with highly similar properties. This amino acid position is conserved. In addition, this alteration is predicted to be tolerated by in silico analysis. Based on the available evidence, the clinical significance of this variant remains unclear.